The following is an entry in ClinVar:

ClinVar aggregate classification (germline): Uncertain significance (1 of 4 stars; one submission).

Conditions:
Bethlem myopathy 1A. Also called: MYOPATHY, BENIGN CONGENITAL, WITH CONTRACTURES; Bethlem myopathy 1; Bethlem Muscular Dystrophy. Identifiers: Orphanet 610, MedGen CN029274, MONDO:0024530, OMIM 158810.

Submission:

Labcorp Genetics (formerly Invitae), Labcorp
Classification: Uncertain significance for Bethlem myopathy 1A. Last evaluated: 2022-05-13. Review status: criteria provided, single submitter. Criteria: Invitae Variant Classification Sherloc (09022015). Collection method: clinical testing. Allele origin: germline.
Comment: Algorithms developed to predict the effect of missense changes on protein structure and function are either unavailable or do not agree on the potential impact of this missense change (SIFT: "Deleterious"; PolyPhen-2: "Probably Damaging"; Align-GVGD: "Class C0"). This variant has not been reported in the literature in individuals affected with COL6A3-related conditions. This variant is not present in population databases (gnomAD no frequency). This sequence change replaces lysine, which is basic and polar, with glutamic acid, which is acidic and polar, at codon 302 of the COL6A3 protein (p.Lys302Glu). In summary, the available evidence is currently insufficient to determine the role of this variant in disease. Therefore, it has been classified as a Variant of Uncertain Significance.

NM_004369.4(COL6A3):c.904A>G (p.Lys302Glu)

Gene: COL6A3 (collagen type VI alpha 3 chain; minus strand). Cytogenetic location: 2q37.3.
Variant type: single nucleotide variant.
Coding change: c.904A>G on transcript NM_004369.4 (MANE Select); coding-DNA position 904, A replaced by G.
Protein change: p.Lys302Glu; replaces lysine 302 with glutamic acid.
Molecular consequence: missense variant. On other transcripts: intron variant (2).
Genome position (GRCh38, 1-based): chr2:237,387,990, T>C on the plus strand (A>G on the coding strand, the complement: COL6A3 is on the minus strand). VCF-style: chr2-237387990-T-C. GRCh37 (hg19) VCF-style: chr2-238296633-T-C.
Other names: c.286A>G, p.Lys96Glu (NM_057165.5, NM_057167.4); c.92-6491A>G (NM_057166.5, NM_057164.5); short protein forms K302E, K96E.
Identifiers: ClinVar variation 1994111 (VCV001994111.4), dbSNP rs772831026, ClinGen allele CA351223114.
Genomic context (GRCh38, chr2:237,387,990, plus strand): 5'-TATTGGCCAACTCCCCACCAGCAAACCCGAGGGCTTTCACTGCACCCAGAACCTGGGCCT[T>C]GGTGGAGTAGGTGTCCAAGGAGAACATGGTTCTGGGCTCATCGCTAAACTGGACCACCCC-3'
Protein context (NP_004360.2, residues 292-312): TMFSLDTYST[Lys302Glu]AQVLGAVKAL